The following is an entry in ClinVar:

ClinVar aggregate classification (germline): Uncertain significance. Review status: criteria provided, multiple submitters, no conflicts (2 of 4 stars). 2 submissions from 2 submitters: Uncertain significance (2). Last evaluated 2024-10-09.

Conditions:
Intellectual disability. Also called: Intellectual functioning disability; intellectual disabilities; Intellectual developmental disorder. Identifiers: MedGen C3714756, MeSH D008607, MONDO:0001071, HP:0001249.
Congenital anomaly of face. Also called: facial dysmorphism. Identifiers: MedGen C0266617.
Epilepsy. Also called: Seizure disorder. Identifiers: MedGen C0014544, MeSH D004827, MONDO:0005027.
Developmental and epileptic encephalopathy, 50 (DEE50). Also called: Epileptic encephalopathy, early infantile, 50. Identifiers: Orphanet 448010, MedGen C4225320, MONDO:0014647, OMIM 616457.

Submissions (2):

Victorian Clinical Genetics Services, Murdoch Childrens Research Institute
Classification: Uncertain significance for Developmental and epileptic encephalopathy, 50. Last evaluated: 2024-10-09. Review status: criteria provided, single submitter. Criteria: ACMG Guidelines, 2015. Collection method: clinical testing. Allele origin: germline. Inheritance: Autosomal recessive inheritance. Affected: yes.
Comment: Based on the classification scheme VCGS_Germline_v1.3.4, this variant is classified as VUS-3A. Following criteria are met: 0102 - Loss of function is a known mechanism of disease in this gene and is associated with developmental and epileptic encephalopathy 50 (MIM#616457). (I) 0106 - This gene is associated with autosomal recessive disease. (I) 0200 - Variant is predicted to result in a missense amino acid change from leucine to proline. (I) 0252 - This variant is homozygous. (I) 0301 - Variant is absent from gnomAD (both v2 and v3). (SP) 0501 - Missense variant consistently predicted to be damaging by multiple in silico tools or highly conserved with a major amino acid change. (SP) 0600 - Variant is located in the annotated OTCace_N domain (DECIPHER). (I) 0705 - No comparable missense variants have previous evidence for pathogenicity. (I) 0809 - Previous evidence of pathogenicity for this variant is inconclusive. This variant has been classified as a VUS by a clinical laboratory in ClinVar. (I) 0905 - No published segregation evidence has been identified for this variant. (I) 1007 - No published functional evidence has been identified for this variant. (I) Legend: (SP) - Supporting pathogenic, (I) - Information, (SB) - Supporting benign

Diagnostics Services (NGS), CSIR - Centre For Cellular And Molecular Biology
Classification: Uncertain significance for Seizure disorder; Intellectual disability; facial dysmorphism. Last evaluated: 2020-03-09. Review status: criteria provided, single submitter. Criteria: ACMG Guidelines, 2015. Collection method: clinical testing. Allele origin: germline. Inheritance: Autosomal recessive inheritance. Affected: yes. Observed: 1 homozygote.
Comment: The c.6020T>C variant is not present in publicly available databases like 1000 Genomes,Exome Variant Server (EVS), Exome Aggregation Consortium (ExAC), Genome Aggregation Database (gnomAD) and dbSNP. The variant is not present in our in-house exome database. The variant was not reported earlier to OMIM, ClinVar and Human Genome Mutation Database, in any other affected individuals. In-silico pathogenicity prediction programs like SIFT, PolyPhen2, MutationTaster2, CADD, etc. predicted this variant to be likely deleterious, however there are no existing functional studies present to prove this. Homozygous or compound heterozygous variations in CAD gene are known to cause autosomal recessive early infantile epileptic encephalopathy-50 (EIEE50, MIM#616457), which is mainly a seizure disorder. Hence due to lack of enough evidence and also considering the phenotype of this patient, the variant has been classified as uncertain significance.

NM_004341.5(CAD):c.6020T>C (p.Leu2007Pro)

Gene: CAD (carbamoyl-phosphate synthetase 2, aspartate transcarbamylase, and dihydroorotase; plus strand). Cytogenetic location: 2p23.3.
Variant type: single nucleotide variant.
Coding change: c.6020T>C on transcript NM_004341.5 (MANE Select); coding-DNA position 6020, T replaced by C.
Protein change: p.Leu2007Pro; replaces leucine 2007 with proline.
Molecular consequence: missense variant.
Genome position (GRCh38, 1-based): chr2:27,242,047, T>C. VCF-style: chr2-27242047-T-C. GRCh37 (hg19) VCF-style: chr2-27464915-T-C.
Other names: c.5831T>C, p.Leu1944Pro (NM_001306079.2); short protein forms L1944P, L2007P.
Identifiers: ClinVar variation 830364 (VCV000830364.6), dbSNP rs1676344855, ClinGen allele CA346224132.